The following is an entry in ClinVar:

ClinVar aggregate classification (germline): Uncertain significance (1 of 4 stars; one submission).

Conditions:
Autosomal recessive limb-girdle muscular dystrophy type 2J (LGMDR10). Also called: Limb-girdle muscular dystrophy, type 2J; MUSCULAR DYSTROPHY, LIMB-GIRDLE, AUTOSOMAL RECESSIVE 10. Identifiers: Orphanet 140922, MedGen C1837342, MONDO:0012127, OMIM 608807.
Dilated cardiomyopathy 1G (CMD1G). Identifiers: Orphanet 154, MedGen C1858763, MONDO:0011400, OMIM 604145.

Submission:

Labcorp Genetics (formerly Invitae), Labcorp
Classification: Uncertain significance for Dilated cardiomyopathy 1G; Autosomal recessive limb-girdle muscular dystrophy type 2J. Last evaluated: 2025-11-17. Review status: criteria provided, single submitter. Criteria: Invitae Variant Classification Sherloc (09022015). Collection method: clinical testing. Allele origin: germline.
Comment: This sequence change replaces phenylalanine, which is neutral and non-polar, with leucine, which is neutral and non-polar, at codon 34646 of the TTN protein (p.Phe34646Leu). This variant is not present in population databases (gnomAD no frequency). This missense change has been observed in individual(s) with dilated cardiomyopathy (internal data). ClinVar contains an entry for this variant (Variation ID: 2931293). An algorithm developed to predict the effect of missense changes on protein structure and function outputs the following: PolyPhen-2: "Not Available". The leucine amino acid residue is found in multiple mammalian species, which suggests that this missense change does not adversely affect protein function. This variant is located in the M band of TTN (PMID: 25589632). Non-truncating variants in this region may be relevant for neuromuscular disorders, but have not been definitively shown to cause cardiomyopathy (PMID: 23975875). In summary, the available evidence is currently insufficient to determine the role of this variant in disease. Therefore, it has been classified as a Variant of Uncertain Significance.

Literature cited by the submitters: PubMed 25589632; PubMed 23975875.

NM_001267550.2(TTN):c.103936T>C (p.Phe34646Leu)

Genes: TTN (titin; minus strand), TTN-AS1 (TTN antisense RNA 1; plus strand). Cytogenetic location: 2q31.2.
Variant type: single nucleotide variant.
Coding change: c.103936T>C on transcript NM_001267550.2 (MANE Select); coding-DNA position 103936, T replaced by C.
Protein change: p.Phe34646Leu; replaces phenylalanine 34646 with leucine.
Molecular consequence: missense variant.
Genome position (GRCh38, 1-based): chr2:178,532,679, A>G on the plus strand (T>C on the coding strand, the complement: TTN is on the minus strand). VCF-style: chr2-178532679-A-G. GRCh37 (hg19) VCF-style: chr2-179397406-A-G.
Other names: c.99013T>C, p.Phe33005Leu (NM_001256850.1); c.76741T>C, p.Phe25581Leu (NM_003319.4); c.96232T>C, p.Phe32078Leu (NM_133378.4); c.77116T>C, p.Phe25706Leu (NM_133432.3); c.77317T>C, p.Phe25773Leu (NM_133437.4); short protein forms F25581L, F25706L, F25773L, F33005L, F34646L, F32078L.
Identifiers: ClinVar variation 2931293 (VCV002931293.3), dbSNP rs2468461619, ClinGen allele CA349412901.